The following is an entry in ClinVar:

NM_005120.3(MED12):c.3111G>A (p.Thr1037=)

Gene: MED12 (mediator complex subunit 12; plus strand). Cytogenetic location: Xq13.1.
Variant type: single nucleotide variant.
Coding change: c.3111G>A on transcript NM_005120.3 (MANE Select); coding-DNA position 3111, G replaced by A.
Protein change: p.Thr1037=; no amino-acid change (threonine 1037 retained).
Molecular consequence: synonymous variant.
Genome position (GRCh38, 1-based): chrX:71,128,022, G>A. VCF-style: chrX-71128022-G-A. GRCh37 (hg19) VCF-style: chrX-70347872-G-A.
Identifiers: ClinVar variation 1166714 (VCV001166714.21), dbSNP rs185658730, ClinGen allele CA10444447.
Genomic context (GRCh38, chrX:71,128,022, plus strand): 5'-GGCACCTGAGTTCATGATCGACACTCTAGAGAACCCTGCAGCTCACACCTTCACCTACAC[G>A]GGGCTAGGCAAGAGTCTTAGTGAGAACCCTGCTAACCGCTACAGCTTTGTCTGCAATGCC-3'
Protein context (NP_005111.2, residues 1027-1047): ENPAAHTFTY[Thr1037=]GLGKSLSENP

ClinVar aggregate classification (germline): Benign/Likely benign. Review status: criteria provided, multiple submitters, no conflicts (2 of 4 stars). 4 submissions from 4 submitters: Benign (1); Likely benign (3). Last evaluated 2025-08-23.

Conditions:
FG syndrome (FGS). Identifiers: MedGen C0220769, MONDO:0002010.
Familial thoracic aortic aneurysm and aortic dissection (TAAD). Also called: Thoracic aortic aneurysms and dissections. Identifiers: Orphanet 91387, MedGen C4707243, MONDO:0019625.

Allele frequency attached by ClinVar (database versions not stated): ExAC 0.00002; gnomAD exomes 0.00002; gnomAD 0.00007; TOPMed 0.00008; 1000 Genomes Project 30x 0.00021; 1000 Genomes Project 0.00053.
gnomAD v4.1: 27 of 1,209,155 alleles (0.0022%); highest among the groups gnomAD compares: African/African-American, 0.019%; no homozygotes.

Submissions (4):

Labcorp Genetics (formerly Invitae), Labcorp
Classification: Benign for FG syndrome. Last evaluated: 2025-08-23. Review status: criteria provided, single submitter. Criteria: Invitae Variant Classification Sherloc (09022015). Collection method: clinical testing. Allele origin: germline.

CeGaT Center for Human Genetics Tuebingen
Classification: Likely benign. Last evaluated: 2025-07-01. Review status: criteria provided, single submitter. Criteria: CeGaT Center For Human Genetics Tuebingen Variant Classification Criteria Version 2. Collection method: clinical testing. Allele origin: germline. Affected: yes. Observed: 1 variant allele.
Comment: MED12: BP4, BP7, BS2

Ambry Genetics
Classification: Likely benign for Familial thoracic aortic aneurysm and aortic dissection. Last evaluated: 2024-03-29. Review status: criteria provided, single submitter. Criteria: Ambry Variant Classification Scheme 2023. Collection method: clinical testing. Allele origin: germline.

GeneDx
Classification: Likely benign. Last evaluated: 2020-09-21. Review status: criteria provided, single submitter. Criteria: GeneDx Variant Classification Process June 2021. Collection method: clinical testing. Allele origin: germline. Affected: yes.